The following is an entry in ClinVar:

ClinVar aggregate classification (germline): Conflicting classifications of pathogenicity. Review status: criteria provided, conflicting classifications (1 of 4 stars). 6 submissions from 6 submitters: Uncertain significance (5); Likely benign (1). Last evaluated 2026-09-14.

Conditions:
RYR2-related disorder. Also called: RYR2-related condition.
Cardiovascular phenotype. Identifiers: MedGen CN230736.
Catecholaminergic polymorphic ventricular tachycardia (CVPT). Also called: Catecholamine-induced polymorphic ventricular tachycardia. Identifiers: Orphanet 3286, MedGen C5574922, MONDO:0017990.
Cardiomyopathy (CMYO). Also called: Cardiomyopathies. Identifiers: Orphanet 167848, MedGen C0878544, MONDO:0004994, HP:0001638. Inheritance: Various modes of inheritance.
Catecholaminergic polymorphic ventricular tachycardia 1. Also called: VENTRICULAR TACHYCARDIA, CATECHOLAMINERGIC POLYMORPHIC, 1, WITH OR WITHOUT ATRIAL DYSFUNCTION AND/OR DILATED CARDIOMYOPATHY; RYR2-Related Catecholaminergic Polymorphic Ventricular Tachycardia; VENTRICULAR TACHYCARDIA, STRESS-INDUCED POLYMORPHIC 1. Identifiers: Orphanet 3286, MedGen C1631597, MONDO:0011484, OMIM 604772.

Allele frequency attached by ClinVar (database versions not stated): gnomAD exomes 0.00001; gnomAD 0.00002 and 0.00018; TOPMed 0.00040.
gnomAD v4.1: 37 of 1,561,314 alleles (0.0024%); highest among the groups gnomAD compares: Middle Eastern, 0.069%; no homozygotes.

Submissions (6):

GeneDx
Classification: Uncertain significance. Last evaluated: 2026-09-14. Review status: criteria provided, single submitter. Criteria: GeneDx Variant Classification Process June 2021. Collection method: clinical testing. Allele origin: germline.
Comment: Reported as an incidental finding in a cohort of individuals referred for whole exome sequencing; however, specific clinical information about the individual(s) harboring this variant was not provided (PMID: 28404607); Not observed at significant frequency in large population cohorts (gnomAD); In silico analysis suggests that this missense variant does not alter protein structure/function; Not located in one of the three hot-spot regions of the RYR2 gene, where the majority of pathogenic missense variants occur (PMID: 19926015); This variant is associated with the following publications: (PMID: 28404607, 19926015)

PreventionGenetics, part of Exact Sciences
Classification: Uncertain significance for RYR2-related condition. Last evaluated: 2026-08-10. Review status: criteria provided, single submitter. Criteria: ACMG Guidelines, 2015. Collection method: clinical testing. Allele origin: germline.
Comment: The RYR2 c.11116G>A variant is predicted to result in the amino acid substitution p.Asp3706Asn. To our knowledge, this variant has not been reported in the literature in individuals with RYR2-related disorders. This variant is reported in 0.0050% of alleles in individuals of African descent in gnomAD. At this time, the clinical significance of this variant is uncertain due to the absence of conclusive functional and genetic evidence.

Labcorp Genetics (formerly Invitae), Labcorp
Classification: Likely benign for Catecholaminergic polymorphic ventricular tachycardia 1. Last evaluated: 2025-01-02. Review status: criteria provided, single submitter. Criteria: Invitae Variant Classification Sherloc (09022015). Collection method: clinical testing. Allele origin: germline.

Ambry Genetics
Classification: Uncertain significance for Cardiovascular phenotype. Last evaluated: 2024-07-05. Review status: criteria provided, single submitter. Criteria: Ambry Variant Classification Scheme 2023. Collection method: clinical testing. Allele origin: germline.
Comment: The p.D3706N variant (also known as c.11116G>A), located in coding exon 80 of the RYR2 gene, results from a G to A substitution at nucleotide position 11116. The aspartic acid at codon 3706 is replaced by asparagine, an amino acid with highly similar properties. This amino acid position is highly conserved in available vertebrate species. In addition, this alteration is predicted to be tolerated by in silico analysis. Based on the available evidence, the clinical significance of this variant remains unclear.

All of Us Research Program, National Institutes of Health
Classification: Uncertain significance for Catecholaminergic polymorphic ventricular tachycardia. Last evaluated: 2024-05-14. Review status: criteria provided, single submitter. Criteria: ACMG Guidelines, 2015. Collection method: clinical testing. Allele origin: germline. Inheritance: Autosomal dominant inheritance. Observed: 8 variant alleles, 8 heterozygotes.
Comment: This missense variant replaces aspartic acid with asparagine at codon 3706 of the RYR2 protein. Computational prediction suggests that this variant may not impact protein structure and function (internally defined REVEL score threshold <= 0.5, PMID: 27666373). To our knowledge, functional studies have not been reported for this variant. This variant has not been reported in individuals affected with RYR2-related disorders in the literature. This variant has been identified in 2/217498 chromosomes in the general population by the Genome Aggregation Database (gnomAD). The available evidence is insufficient to determine the role of this variant in disease conclusively. Therefore, this variant is classified as a Variant of Uncertain Significance.

This study involves interpretation of variants in research participants for the purpose of population health screening. Participant phenotype was not available at the time of variant classification. Additional details can be found in publication PMID: 35346344, PMCID: PMC8962531

Color Diagnostics, LLC DBA Color Health
Classification: Uncertain significance for Cardiomyopathy. Last evaluated: 2024-05-02. Review status: criteria provided, single submitter. Criteria: ACMG Guidelines, 2015. Collection method: clinical testing. Allele origin: germline.
Comment: This missense variant replaces aspartic acid with asparagine at codon 3706 of the RYR2 protein. Computational prediction suggests that this variant may not impact protein structure and function (internally defined REVEL score threshold <= 0.5, PMID: 27666373). To our knowledge, functional studies have not been reported for this variant. This variant has not been reported in individuals affected with RYR2-related disorders in the literature. This variant has been identified in 2/217498 chromosomes in the general population by the Genome Aggregation Database (gnomAD). The available evidence is insufficient to determine the role of this variant in disease conclusively. Therefore, this variant is classified as a Variant of Uncertain Significance.

NM_001035.3(RYR2):c.11116G>A (p.Asp3706Asn)

Gene: RYR2 (ryanodine receptor 2; plus strand). Cytogenetic location: 1q43.
Variant type: single nucleotide variant.
Coding change: c.11116G>A on transcript NM_001035.3 (MANE Select); coding-DNA position 11116, G replaced by A.
Protein change: p.Asp3706Asn; replaces aspartic acid 3706 with asparagine.
Molecular consequence: missense variant.
Genome position (GRCh38, 1-based): chr1:237,742,320, G>A. VCF-style: chr1-237742320-G-A. GRCh37 (hg19) VCF-style: chr1-237905620-G-A.
Other names: c.11116G>A, p.Asp3706Asn (LRG_402t1); short protein forms D3706N.
Identifiers: ClinVar variation 450136 (VCV000450136.22), dbSNP rs942040362, ClinGen allele CA39821251.